The following is an entry in ClinVar:

ClinVar aggregate classification (germline): Likely pathogenic (1 of 4 stars; one submission).

Conditions:
Acromesomelic dysplasia 1, Maroteaux type (AMD1). Also called: ST. HELENA DYSPLASIA; ACROMESOMELIC DYSPLASIA 1. Identifiers: Orphanet 40, MedGen C1864356, MONDO:0011275, OMIM 602875.

Allele frequency attached by ClinVar (database versions not stated): gnomAD exomes below 0.00001.

Submission:

Hacettepe Genetic Diseases Diagnosis Center, Hacettepe University Faculty of Medicine
Classification: Likely pathogenic for Acromesomelic dysplasia 1, Maroteaux type. Last evaluated: 2020-05-10. Review status: criteria provided, single submitter. Criteria: ACMG Guidelines, 2015. Collection method: clinical testing. Allele origin: germline. Inheritance: Autosomal recessive inheritance. Affected: yes. Observed: 1 compound heterozygote.
Comment: Of these variants, one was a novel missense variant c.2870G>A in exon 19, resulting an amino acid sequence change of R957H. This variant has not been reported in ExAC, 1000G and gnomAD databases. This variant was classified as likely pathogenic according to the ACMG guidelines and predicted to be deleterious by in silico pathogenicity prediction tools such as PolyPhen-2 and MutationTaster.

NM_003995.4(NPR2):c.2870G>A (p.Arg957His)

Genes: NPR2 (natriuretic peptide receptor 2; plus strand), SPAG8 (sperm associated antigen 8; minus strand). Cytogenetic location: 9p13.3.
Variant type: single nucleotide variant.
Coding change: c.2870G>A on transcript NM_003995.4 (MANE Select); coding-DNA position 2870, G replaced by A.
Protein change: p.Arg957His; replaces arginine 957 with histidine.
Molecular consequence: missense variant. On other transcripts: intron variant (2).
Genome position (GRCh38, 1-based): chr9:35,808,666, G>A. VCF-style: chr9-35808666-G-A. GRCh37 (hg19) VCF-style: chr9-35808663-G-A.
Other names: c.2879G>A, p.Arg960His (NM_001378923.1); c.1201-360C>T (NM_001366760.2); c.1373-360C>T (NM_172312.2); short protein forms R957H, R960H.
Identifiers: ClinVar variation 873148 (VCV000873148.4), dbSNP rs1828565145, ClinGen allele CA373385474.
Genomic context (GRCh38, chr9:35,808,666, plus strand): 5'-TACTAGATGCAGTTTCTTCCTTTCGCATCCGCCACCGACCCCATGACCAGCTGAGGCTAC[G>A]CATAGGGGTCCATACTGGTAAGGCTGACTCTCACTCCAGCCCTAGTCTCCACCTTTCCCA-3'
Protein context (NP_003986.2, residues 947-967): RHRPHDQLRL[Arg957His]IGVHTGPVCA